The following is an entry in ClinVar:

ClinVar aggregate classification (germline): Uncertain significance. Review status: criteria provided, multiple submitters, no conflicts (2 of 4 stars). 2 submissions from 2 submitters: Uncertain significance (2). Last evaluated 2024-12-23.

Conditions:
Ataxia-telangiectasia syndrome (AT). Also called: Cerebello-oculocutaneous telangiectasia; Immunodeficiency with ataxia telangiectasia; LOUIS-BAR SYNDROME; AT, COMPLEMENTATION GROUP C; ATAXIA-TELANGIECTASIA, COMPLEMENTATION GROUP A; ATAXIA-TELANGIECTASIA, FRESNO VARIANT. Identifiers: Orphanet 100, MedGen C0004135, MONDO:0008840, OMIM 208900.
Hereditary cancer-predisposing syndrome. Also called: Tumor predisposition; Hereditary neoplastic syndrome; Neoplastic Syndromes, Hereditary; Hereditary Cancer Syndrome. Identifiers: Orphanet 140162, MedGen C0027672, MeSH D009386, MONDO:0015356.

Submissions (2):

Color Diagnostics, LLC DBA Color Health
Classification: Uncertain significance for Hereditary cancer-predisposing syndrome. Last evaluated: 2024-12-23. Review status: criteria provided, single submitter. Criteria: ACMG Guidelines, 2015. Collection method: clinical testing. Allele origin: germline.
Comment: This missense variant replaces threonine with lysine at codon 306 of the ATM protein. Computational prediction suggests that this variant may not impact protein structure and function (internally defined REVEL score threshold <= 0.5, PMID: 27666373). To our knowledge, functional studies have not been reported for this variant. This variant has not been reported in individuals affected with ATM-related disorders in the literature. This variant has not been identified in the general population by the Genome Aggregation Database (gnomAD). The available evidence is insufficient to determine the role of this variant in disease conclusively. Therefore, this variant is classified as a Variant of Uncertain Significance.

Labcorp Genetics (formerly Invitae), Labcorp
Classification: Uncertain significance for Ataxia-telangiectasia syndrome. Last evaluated: 2019-08-14. Review status: criteria provided, single submitter. Criteria: Invitae Variant Classification Sherloc (09022015). Collection method: clinical testing. Allele origin: germline.
Comment: This sequence change replaces threonine with lysine at codon 306 of the ATM protein (p.Thr306Lys). The threonine residue is weakly conserved and there is a moderate physicochemical difference between threonine and lysine. This variant is not present in population databases (ExAC no frequency). This variant has not been reported in the literature in individuals with ATM-related conditions. Algorithms developed to predict the effect of missense changes on protein structure and function output the following: SIFT: "Tolerated"; PolyPhen-2: "Benign"; Align-GVGD: "Class C0". The lysine amino acid residue is found in multiple mammalian species, suggesting that this missense change does not adversely affect protein function. These predictions have not been confirmed by published functional studies and their clinical significance is uncertain. In summary, the available evidence is currently insufficient to determine the role of this variant in disease. Therefore, it has been classified as a Variant of Uncertain Significance.

NM_000051.4(ATM):c.917C>A (p.Thr306Lys)

Gene: ATM (ATM serine/threonine kinase; plus strand). Cytogenetic location: 11q22.3.
Variant type: single nucleotide variant.
Coding change: c.917C>A on transcript NM_000051.4 (MANE Select); coding-DNA position 917, C replaced by A.
Protein change: p.Thr306Lys; replaces threonine 306 with lysine.
Molecular consequence: missense variant.
Genome position (GRCh38, 1-based): chr11:108,246,979, C>A. VCF-style: chr11-108246979-C-A. GRCh37 (hg19) VCF-style: chr11-108117706-C-A.
Other names: c.917C>A, p.Thr306Lys (NM_001351834.2); short protein forms T306K.
Identifiers: ClinVar variation 937558 (VCV000937558.10), dbSNP rs1565374923, ClinGen allele CA382530546.